The following is an entry in ClinVar:

NM_004064.5(CDKN1B):c.148A>G (p.Arg50Gly)

Gene: CDKN1B (cyclin dependent kinase inhibitor 1B; plus strand). Cytogenetic location: 12p13.1.
Variant type: single nucleotide variant.
Coding change: c.148A>G on transcript NM_004064.5 (MANE Select); coding-DNA position 148, A replaced by G.
Protein change: p.Arg50Gly; replaces arginine 50 with glycine.
Molecular consequence: missense variant.
Genome position (GRCh38, 1-based): chr12:12,717,987, A>G. VCF-style: chr12-12717987-A-G. GRCh37 (hg19) VCF-style: chr12-12870921-A-G.
Other names: short protein forms R50G.
Identifiers: ClinVar variation 2114850 (VCV002114850.4), dbSNP rs2497404290, ClinGen allele CA383968970.

ClinVar aggregate classification (germline): Uncertain significance (1 of 4 stars; one submission).

Conditions:
Multiple endocrine neoplasia type 4. Also called: MULTIPLE ENDOCRINE NEOPLASIA, TYPE IV. Identifiers: Orphanet 276152, MedGen C1970712, MONDO:0012552, OMIM 610755.

Allele frequency attached by ClinVar (database versions not stated): gnomAD exomes below 0.00001.

Submission:

Labcorp Genetics (formerly Invitae), Labcorp
Classification: Uncertain significance for Multiple endocrine neoplasia type 4. Last evaluated: 2023-03-26. Review status: criteria provided, single submitter. Criteria: Invitae Variant Classification Sherloc (09022015). Collection method: clinical testing. Allele origin: germline.
Comment: In summary, the available evidence is currently insufficient to determine the role of this variant in disease. Therefore, it has been classified as a Variant of Uncertain Significance. An algorithm developed to predict the effect of missense changes on protein structure and function (PolyPhen-2) suggests that this variant is likely to be tolerated. ClinVar contains an entry for this variant (Variation ID: 2114850). This variant has not been reported in the literature in individuals affected with CDKN1B-related conditions. This variant is not present in population databases (gnomAD no frequency). This sequence change replaces arginine, which is basic and polar, with glycine, which is neutral and non-polar, at codon 50 of the CDKN1B protein (p.Arg50Gly).